The following is an entry in ClinVar:

ClinVar aggregate classification (germline): Uncertain significance (1 of 4 stars; one submission).

Allele frequency attached by ClinVar (database versions not stated): gnomAD exomes below 0.00001; ExAC 0.00001; gnomAD 0.00002; TOPMed 0.00002.
gnomAD v4.1: 10 of 1,610,424 alleles (0.00062%); highest among the groups gnomAD compares: Admixed American, 0.005%; no homozygotes.

Submission:

Labcorp Genetics (formerly Invitae), Labcorp
Classification: Uncertain significance. Last evaluated: 2025-10-11. Review status: criteria provided, single submitter. Criteria: Invitae Variant Classification Sherloc (09022015). Collection method: clinical testing. Allele origin: germline.
Comment: This sequence change affects codon 701 of the SETD5 mRNA. It is a 'silent' change, meaning that it does not change the encoded amino acid sequence of the SETD5 protein. This variant also falls at the last nucleotide of exon 15, which is part of the consensus splice site for this exon. This variant is present in population databases (rs771250658, gnomAD 0.009%). This variant has not been reported in the literature in individuals affected with SETD5-related conditions. ClinVar contains an entry for this variant (Variation ID: 1983854). Variants that disrupt the consensus splice site are a relatively common cause of aberrant splicing (PMID: 17576681, 9536098). Algorithms developed to predict the effect of sequence changes on RNA splicing suggest that this variant is not likely to affect RNA splicing. In summary, the available evidence is currently insufficient to determine the role of this variant in disease. Therefore, it has been classified as a Variant of Uncertain Significance.

Literature cited by the submitters: PubMed 17576681; PubMed 9536098.

NM_001080517.3(SETD5):c.2103G>A (p.Lys701=)

Gene: SETD5 (SET domain containing 5; plus strand). Cytogenetic location: 3p25.3.
Variant type: single nucleotide variant.
Coding change: c.2103G>A on transcript NM_001080517.3 (MANE Select); coding-DNA position 2103, G replaced by A.
Protein change: p.Lys701=; no amino-acid change (lysine 701 retained).
Molecular consequence: synonymous variant.
Genome position (GRCh38, 1-based): chr3:9,448,006, G>A. VCF-style: chr3-9448006-G-A. GRCh37 (hg19) VCF-style: chr3-9489690-G-A.
Other names: c.1809G>A, p.Lys603= (NM_001292043.2, NM_001349451.2).
Identifiers: ClinVar variation 1983854 (VCV001983854.4), dbSNP rs771250658, ClinGen allele CA2239353.
Genomic context (GRCh38, chr3:9,448,006, plus strand): 5'-GGTGTCAATTACTGGATCCCATGTCAACCGTGCTGCATCTAAATACCCCAAAACCAAAAA[G>A]GTAAGTCACAAATGCATCCTTTATAAGTCCAGTCTGGCAAGGGCTGTCTTAGTGAAATGA-3'
Protein context (NP_001073986.1, residues 691-711): RAASKYPKTK[Lys701=]YLVTEWLNDK